The following is an entry in ClinVar:

NM_033004.4(NLRP1):c.3296+3G>T

Gene: NLRP1 (NLR family pyrin domain containing 1; minus strand). Cytogenetic location: 17p13.2.
Variant type: single nucleotide variant.
Coding change: c.3296+3G>T on transcript NM_033004.4 (MANE Select); 3 bases into the intron after coding-DNA position 3296, G replaced by T.
Molecular consequence: intron variant.
Genome position (GRCh38, 1-based): chr17:5,532,819, C>A on the plus strand (G>T on the coding strand, the complement: NLRP1 is on the minus strand). VCF-style: chr17-5532819-C-A. GRCh37 (hg19) VCF-style: chr17-5436139-C-A.
Other names: c.3308+3G>T (NM_001033053.3); c.3206+3G>T (NM_033007.4, NM_033006.4); c.3296+3G>T (NM_014922.5).
Identifiers: ClinVar variation 3622229 (VCV003622229.2).
Genomic context (GRCh38, chr17:5,532,819, plus strand): 5'-GACCCAGGATGGGCAGTGGGGTGCGGGAGGCCAGCCTGGGACCAGCAGAGCCCCCTCACT[C>A]ACCGGTACAAGTTCTTTTCTTTGTCAACTACCTCAGTAGCCACAGGCCCCGTGGGGCCCC-3'

ClinVar aggregate classification (germline): Uncertain significance (1 of 4 stars; one submission).

gnomAD v4.1: 1 of 1,594,014 alleles (0.000063%); highest among the groups gnomAD compares: Non-Finnish European, 0.000085%; no homozygotes.

Submission:

Labcorp Genetics (formerly Invitae), Labcorp
Classification: Uncertain significance. Last evaluated: 2024-02-02. Review status: criteria provided, single submitter. Criteria: Invitae Variant Classification Sherloc (09022015). Collection method: clinical testing. Allele origin: germline.
Comment: This sequence change falls in intron 11 of the NLRP1 gene. It does not directly change the encoded amino acid sequence of the NLRP1 protein. It affects a nucleotide within the consensus splice site. This variant is not present in population databases (gnomAD no frequency). This variant has not been reported in the literature in individuals affected with NLRP1-related conditions. Variants that disrupt the consensus splice site are a relatively common cause of aberrant splicing (PMID: 17576681, 9536098). Algorithms developed to predict the effect of sequence changes on RNA splicing suggest that this variant may disrupt the consensus splice site. In summary, the available evidence is currently insufficient to determine the role of this variant in disease. Therefore, it has been classified as a Variant of Uncertain Significance.

Literature cited by the submitters: PubMed 17576681; PubMed 9536098.